The following is an entry in ClinVar:

NM_000059.4(BRCA2):c.3967A>G (p.Lys1323Glu)

Gene: BRCA2 (BRCA2 DNA repair associated; plus strand). Cytogenetic location: 13q13.1.
Variant type: single nucleotide variant.
Coding change: c.3967A>G on transcript NM_000059.4 (MANE Select); coding-DNA position 3967, A replaced by G.
Protein change: p.Lys1323Glu; replaces lysine 1323 with glutamic acid.
Molecular consequence: missense variant.
Genome position (GRCh38, 1-based): chr13:32,338,322, A>G. VCF-style: chr13-32338322-A-G. GRCh37 (hg19) VCF-style: chr13-32912459-A-G.
Other names: short protein forms K1323E.
Identifiers: ClinVar variation 1059047 (VCV001059047.10), dbSNP rs80358648, ClinGen allele CA387778925.
Genomic context (GRCh38, chr13:32,338,322, plus strand): 5'-GGCACTTTTGTTGAAGAAATTACTGAAAATTACAAGAGAAATACTGAAAATGAAGATAAC[A>G]AATATACTGCTGCCAGTAGAAATTCTCATAACTTAGAATTTGATGGCAGTGATTCAAGTA-3'
Protein context (NP_000050.3, residues 1313-1333): YKRNTENEDN[Lys1323Glu]YTAASRNSHN

ClinVar aggregate classification (germline): Conflicting classifications of pathogenicity. Review status: criteria provided, conflicting classifications (1 of 4 stars). 2 submissions from 2 submitters: Uncertain significance (1); Likely benign (1). Last evaluated 2023-03-23.

Conditions:
Hereditary cancer-predisposing syndrome. Also called: Neoplastic Syndromes, Hereditary; Hereditary Cancer Syndrome; Hereditary neoplastic syndrome; Tumor predisposition. Identifiers: Orphanet 140162, MedGen C0027672, MeSH D009386, MONDO:0015356.
Hereditary breast ovarian cancer syndrome. Also called: Hereditary breast and/or ovarian cancer syndrome; Breast and ovarian cancer; BRCA1- and BRCA2-Associated Hereditary Breast and Ovarian Cancer; Hereditary breast and ovarian cancer syndrome; Hereditary breast and ovarian cancer syndrome (HBOC); Hereditary breast and ovarian cancer. Identifiers: Orphanet 145, MedGen C0677776, MeSH D061325, MONDO:0003582. Disease mechanism: loss of function.

Submissions (2):

University of Washington Department of Laboratory Medicine, University of Washington
Classification: Likely benign for Hereditary cancer-predisposing syndrome. Last evaluated: 2023-03-23. Review status: criteria provided, single submitter. Criteria: Dines et al. (Genet Med. 2020). Collection method: curation. Allele origin: germline.
Comment: Missense variant in a coldspot region where missense variants are very unlikely to be pathogenic (PMID:31911673).

BRCA2 exon 11 coldspot. Reclassification based on statistical prior probability.

Labcorp Genetics (formerly Invitae), Labcorp
Classification: Uncertain significance for Hereditary breast ovarian cancer syndrome. Last evaluated: 2020-10-19. Review status: criteria provided, single submitter. Criteria: Invitae Variant Classification Sherloc (09022015). Collection method: clinical testing. Allele origin: germline.
Comment: In summary, the available evidence is currently insufficient to determine the role of this variant in disease. Therefore, it has been classified as a Variant of Uncertain Significance. Advanced modeling of protein sequence and biophysical properties (such as structural, functional, and spatial information, amino acid conservation, physicochemical variation, residue mobility, and thermodynamic stability) performed at Invitae indicates that this missense variant is not expected to disrupt BRCA2 protein function. This variant has not been reported in the literature in individuals with BRCA2-related conditions. This variant is not present in population databases (ExAC no frequency). This sequence change replaces lysine with glutamic acid at codon 1323 of the BRCA2 protein (p.Lys1323Glu). The lysine residue is weakly conserved and there is a small physicochemical difference between lysine and glutamic acid.